The following is an entry in ClinVar:

ClinVar aggregate classification (germline): Uncertain significance (1 of 4 stars; one submission).

Allele frequency attached by ClinVar (database versions not stated): gnomAD exomes below 0.00001; ExAC 0.00001; gnomAD 0.00001; 1000 Genomes Project 0.00020; 1000 Genomes Project 30x 0.00031.
gnomAD v4.1: 5 of 1,613,918 alleles (0.00031%); highest among the groups gnomAD compares: Middle Eastern, 0.016%; no homozygotes.

Submission:

Laboratorio de Genetica e Diagnostico Molecular, Hospital Israelita Albert Einstein
Classification: Uncertain significance. Last evaluated: 2019-05-27. Review status: criteria provided, single submitter. Criteria: ACMG Guidelines, 2015. Collection method: clinical testing. Allele origin: germline. Affected: yes.
Comment: ACMG classification criteria: PM2, PP3, BP1

NM_003922.4(HERC1):c.2752T>C (p.Cys918Arg)

Gene: HERC1 (HECT and RLD domain containing E3 ubiquitin protein ligase family member 1; minus strand). Cytogenetic location: 15q22.31.
Variant type: single nucleotide variant.
Coding change: c.2752T>C on transcript NM_003922.4 (MANE Select); coding-DNA position 2752, T replaced by C.
Protein change: p.Cys918Arg; replaces cysteine 918 with arginine.
Molecular consequence: missense variant.
Genome position (GRCh38, 1-based): chr15:63,733,040, A>G on the plus strand (T>C on the coding strand, the complement: HERC1 is on the minus strand). VCF-style: chr15-63733040-A-G. GRCh37 (hg19) VCF-style: chr15-64025239-A-G.
Other names: short protein forms C918R.
Identifiers: ClinVar variation 1690976 (VCV001690976.2), dbSNP rs564145088, ClinGen allele CA7606209.
Genomic context (GRCh38, chr15:63,733,040, plus strand): 5'-TATCTGGATGGCAGCTCTGAGTGCCGTAAGGTTGATCTGACAGATTTCCGTAGCCAGTAC[A>G]CACAGAAGATAGGTCAGCAGCATCAGAGGGTGAACTATAGCCAAGTAGGGAGGCTACGTG-3'
Protein context (NP_003913.3, residues 908-928): PSDAADLSSV[Cys918Arg]TGYGNLSDQP